The following is an entry in ClinVar:

NM_153717.3(EVC):c.114CGGCCT[4] (p.39GL[4])

Gene: EVC (EvC ciliary complex subunit 1; plus strand). Cytogenetic location: 4p16.2.
Variant type: Microsatellite.
Coding change: c.114CGGCCT[4] on transcript NM_153717.3 (MANE Select); four copies in a row of the 6-base unit CGGCCT starting at c.114; the reference has three copies in a row; one copy, 6 bases duplicated; also written c.126_131dup.
Protein change: p.39GL[4].
Molecular consequence: inframe insertion.
Genome position (GRCh38, 1-based): chr4:5,711,506-5,711,511, CGGCCT duplicated; duplicating any 6 consecutive bases within chr4:5,711,492-5,711,511 gives the same sequence; the position shown is the placement nearest the transcript's 3' end. VCF-style (leftmost placement, unchanged base first): chr4-5711491-G-GCTCGGC. GRCh37 (hg19) VCF-style: chr4-5713218-G-GCTCGGC.
Other names: c.126_131dupCGGCCT (NM_153717.2); c.114CGGCCT[4], p.39GL[4] (NM_001306090.2, NM_001306092.2); c.126_131dup (NM_153717.3, NM_153717.2).
Identifiers: ClinVar variation 550534 (VCV000550534.10), dbSNP rs1164121689, ClinGen allele CA438206585.

ClinVar aggregate classification (germline): Uncertain significance. Review status: criteria provided, multiple submitters, no conflicts (2 of 4 stars). 5 submissions from 5 submitters: Uncertain significance (3). 2 of the submissions do not count toward it. Last evaluated 2025-07-29.

Conditions:
EVC-related disorder. Also called: EVC-related disorders; EVC-related condition.
Curry-Hall syndrome (WAD). Also called: WEYERS ACRODENTAL DYSOSTOSIS. Identifiers: Orphanet 952, MedGen C0457013, MONDO:0008673, OMIM 193530.
Ellis-van Creveld syndrome (EVC). Also called: Chondroectodermal dysplasia; MESOECTODERMAL DYSPLASIA. Identifiers: Orphanet 289, MedGen C0013903, MONDO:0009162, OMIM 225500.

Submissions (5):

GeneDx
Classification: Uncertain significance. Last evaluated: 2025-07-29. Review status: criteria provided, single submitter. Criteria: GeneDx Variant Classification Process June 2021. Collection method: clinical testing. Allele origin: germline. Affected: yes.
Comment: Has not been previously published as pathogenic or benign to our knowledge; In-frame duplication of 2 amino acids in a non-repeat region

Labcorp Genetics (formerly Invitae), Labcorp
Classification: Uncertain significance for Curry-Hall syndrome; Ellis-van Creveld syndrome. Last evaluated: 2022-07-12. Review status: criteria provided, single submitter. Criteria: Invitae Variant Classification Sherloc (09022015). Collection method: clinical testing. Allele origin: germline.
Comment: This variant, c.126_131dup, results in the insertion of 2 amino acid(s) of the EVC protein (p.Gly43_Leu44dup), but otherwise preserves the integrity of the reading frame. This variant is present in population databases (no rsID available, gnomAD 0.4%). This variant has not been reported in the literature in individuals affected with EVC-related conditions. ClinVar contains an entry for this variant (Variation ID: 550534). Experimental studies and prediction algorithms are not available or were not evaluated, and the functional significance of this variant is currently unknown. In summary, the available evidence is currently insufficient to determine the role of this variant in disease. Therefore, it has been classified as a Variant of Uncertain Significance.

Fulgent Genetics
Classification: Uncertain significance for Curry-Hall syndrome; Ellis-van Creveld syndrome. Last evaluated: 2021-07-21. Review status: criteria provided, single submitter. Criteria: ACMG Guidelines, 2015. Collection method: clinical testing. Allele origin: unknown.

PreventionGenetics, part of Exact Sciences
Classification: Likely benign for EVC-related condition. Last evaluated: 2024-04-04. Review status: no assertion criteria provided. Collection method: clinical testing. Allele origin: germline. Not counted in ClinVar's aggregate classification.
Comment: This variant is classified as likely benign based on ACMG/AMP sequence variant interpretation guidelines (Richards et al. 2015 PMID: 25741868, with internal and published modifications).

Counsyl
Classification: Uncertain significance for Ellis-van Creveld syndrome. Last evaluated: 2017-01-27. Review status: no assertion criteria provided. Collection method: clinical testing. Allele origin: unknown. Not counted in ClinVar's aggregate classification.